The following is an entry in ClinVar:

NM_020937.4(FANCM):c.4106A>T (p.Asn1369Ile)

Gene: FANCM (FA complementation group M; plus strand). Cytogenetic location: 14q21.2.
Variant type: single nucleotide variant.
Coding change: c.4106A>T on transcript NM_020937.4 (MANE Select); coding-DNA position 4106, A replaced by T.
Protein change: p.Asn1369Ile; replaces asparagine 1369 with isoleucine.
Molecular consequence: missense variant.
Genome position (GRCh38, 1-based): chr14:45,176,860, A>T. VCF-style: chr14-45176860-A-T. GRCh37 (hg19) VCF-style: chr14-45646063-A-T.
Other names: c.4106A>T (NM_020937.3); c.4028A>T, p.Asn1343Ile (NM_001308133.2); short protein forms N1343I, N1369I.
Identifiers: ClinVar variation 1009144 (VCV001009144.15), dbSNP rs148154311, ClinGen allele CA7169623.

ClinVar aggregate classification (germline): Uncertain significance. Review status: criteria provided, multiple submitters, no conflicts (2 of 4 stars). 5 submissions from 5 submitters: Uncertain significance (5). Last evaluated 2025-11-26.

Conditions:
Spermatogenic failure 28. Identifiers: MedGen C4748117, MONDO:0054732, OMIM 618086.
Premature ovarian failure 15. Identifiers: MedGen C4748170, MONDO:0054862, OMIM 618096.
Fanconi anemia (FA). Also called: Fanconi's anemia. Identifiers: Orphanet 84, MedGen C0015625, MeSH D005199, MONDO:0019391.

Allele frequency attached by ClinVar (database versions not stated): ESP Exome Variant Server 0.00023; gnomAD 0.00025 and 0.00024; TOPMed 0.00026; 1000 Genomes Project 0.00060; ExAC 0.00006; 1000 Genomes Project 30x 0.00047; gnomAD exomes 0.00005.
gnomAD v4.1: 65 of 1,607,530 alleles (0.004%); highest among the groups gnomAD compares: African/African-American, 0.071%; no homozygotes.

Submissions (5):

Dasa
Classification: Uncertain significance. Last evaluated: 2025-11-26. Review status: criteria provided, single submitter. Criteria: DASA Assertion Criteria. Collection method: clinical testing. Allele origin: germline.
Comment: NM_020937.4(FANCM):c.4106A>T (p.Asn1369Ile) is a missense variant that results in the substitution of asparagine with isoleucine. This variant is rare in population databases. Computational prediction algorithms are consistent with a benign effect. The currently available literature and clinical evidence are not sufficient to establish a definitive association between this variant and the reported condition. Therefore, this variant is classified as a variant of uncertain significance.

Quest Diagnostics Nichols Institute San Juan Capistrano
Classification: Uncertain significance. Last evaluated: 2025-07-07. Review status: criteria provided, single submitter. Criteria: Quest Diagnostics criteria. Collection method: clinical testing. Allele origin: unknown.
Comment: The FANCM c.4106A>T (p.Asn1369Ile) variant has been reported in individuals with breast cancer (PMID: 33471991 (2021), see LOVD) and myeloid malignancy (PMID: 31911633 (2020)). The frequency of this variant in the general population (Genome Aggregation Database) is uninformative in the assessment of its pathogenicity. Analysis of this variant using bioinformatics tools for the prediction of the effect of amino acid changes on protein structure and function yielded conflicting predictions that this variant is benign or damaging. Based on the available information, we are unable to determine the clinical significance of this variant.

Labcorp Genetics (formerly Invitae), Labcorp
Classification: Uncertain significance for Fanconi anemia. Last evaluated: 2025-04-27. Review status: criteria provided, single submitter. Criteria: Invitae Variant Classification Sherloc (09022015). Collection method: clinical testing. Allele origin: germline.
Comment: This sequence change replaces asparagine, which is neutral and polar, with isoleucine, which is neutral and non-polar, at codon 1369 of the FANCM protein (p.Asn1369Ile). This variant is present in population databases (rs148154311, gnomAD 0.05%). This variant has not been reported in the literature in individuals affected with FANCM-related conditions. ClinVar contains an entry for this variant (Variation ID: 1009144). An algorithm developed to predict the effect of missense changes on protein structure and function (PolyPhen-2) suggests that this variant is likely to be tolerated. In summary, the available evidence is currently insufficient to determine the role of this variant in disease. Therefore, it has been classified as a Variant of Uncertain Significance.

GeneDx
Classification: Uncertain significance. Last evaluated: 2024-06-18. Review status: criteria provided, single submitter. Criteria: GeneDx Variant Classification Process June 2021. Collection method: clinical testing. Allele origin: germline. Affected: yes.
Comment: In silico analysis supports that this missense variant has a deleterious effect on protein structure/function; Has not been previously published as pathogenic or benign to our knowledge

Fulgent Genetics
Classification: Uncertain significance for Spermatogenic failure 28; Premature ovarian failure 15. Last evaluated: 2022-03-25. Review status: criteria provided, single submitter. Criteria: ACMG Guidelines, 2015. Collection method: clinical testing. Allele origin: unknown.

Literature cited by the submitters: PubMed 33471991 (cited by Quest Diagnostics Nichols Institute San Juan Capistrano); PubMed 31911633 (cited by Quest Diagnostics Nichols Institute San Juan Capistrano).